The following is an entry in ClinVar:

ClinVar aggregate classification (germline): Likely benign. Review status: criteria provided, single submitter (1 of 4 stars). 2 submissions from 2 submitters: Likely benign (1). 1 of the submissions does not count toward it. Last evaluated 2025-10-02.

Conditions:
YRDC-related disorder. Also called: YRDC-related condition.

Allele frequency attached by ClinVar (database versions not stated): 1000 Genomes Project 0.00120; gnomAD exomes 0.00018; gnomAD 0.00022; TOPMed 0.00025; ExAC 0.00046; 1000 Genomes Project 30x 0.00109.

Submissions (2):

Labcorp Genetics (formerly Invitae), Labcorp
Classification: Likely benign. Last evaluated: 2025-10-02. Review status: criteria provided, single submitter. Criteria: Invitae Variant Classification Sherloc (09022015). Collection method: clinical testing. Allele origin: germline.

PreventionGenetics, part of Exact Sciences
Classification: Likely benign for YRDC-related condition. Last evaluated: 2022-12-21. Review status: no assertion criteria provided. Collection method: clinical testing. Allele origin: germline. Not counted in ClinVar's aggregate classification.
Comment: This variant is classified as likely benign based on ACMG/AMP sequence variant interpretation guidelines (Richards et al. 2015 PMID: 25741868, with internal and published modifications).

NM_024640.4(YRDC):c.457A>G (p.Met153Val)

Gene: YRDC (yrdC N6-threonylcarbamoyltransferase domain containing; minus strand). Cytogenetic location: 1p34.3.
Variant type: single nucleotide variant.
Coding change: c.457A>G on transcript NM_024640.4 (MANE Select); coding-DNA position 457, A replaced by G.
Protein change: p.Met153Val; replaces methionine 153 with valine.
Molecular consequence: missense variant.
Genome position (GRCh38, 1-based): chr1:37,807,148, T>C on the plus strand (A>G on the coding strand, the complement: YRDC is on the minus strand). VCF-style: chr1-37807148-T-C. GRCh37 (hg19) VCF-style: chr1-38272820-T-C.
Other names: short protein forms M153V.
Identifiers: ClinVar variation 3044924 (VCV003044924.3), dbSNP rs137902882, ClinGen allele CA774834.